The following is an entry in ClinVar:

ClinVar aggregate classification (germline): Pathogenic/Likely pathogenic. Review status: criteria provided, multiple submitters, no conflicts (2 of 4 stars). 2 submissions from 2 submitters: Pathogenic (1); Likely pathogenic (1). Last evaluated 2023-09-21.

Conditions:
Mitochondrial complex I deficiency, nuclear type 16. Also called: Mitochondrial complex 1 deficiency, nuclear type 16. Identifiers: MedGen C4748785, MONDO:0032621, OMIM 618238.

Allele frequency attached by ClinVar (database versions not stated): gnomAD exomes below 0.00001; TOPMed below 0.00001.
gnomAD v4.1: 3 of 1,612,994 alleles (0.00019%); highest among the groups gnomAD compares: South Asian, 0.0033%; no homozygotes.

Submissions (2):

Labcorp Genetics (formerly Invitae), Labcorp
Classification: Pathogenic. Last evaluated: 2023-09-21. Review status: criteria provided, single submitter. Criteria: Invitae Variant Classification Sherloc (09022015). Collection method: clinical testing. Allele origin: germline.
Comment: This variant has not been reported in the literature in individuals affected with NDUFAF5-related conditions. For these reasons, this variant has been classified as Pathogenic. ClinVar contains an entry for this variant (Variation ID: 1985636). This variant is not present in population databases (gnomAD no frequency). This sequence change creates a premature translational stop signal (p.Glu149*) in the NDUFAF5 gene. It is expected to result in an absent or disrupted protein product. Loss-of-function variants in NDUFAF5 are known to be pathogenic (PMID: 26275793, 30473481, 32918965).

Baylor Genetics
Classification: Likely pathogenic for Mitochondrial complex I deficiency, nuclear type 16. Last evaluated: 2023-06-14. Review status: criteria provided, single submitter. Criteria: ACMG Guidelines, 2015. Collection method: clinical testing. Allele origin: unknown.

Literature cited by the submitters: PubMed 26275793 (cited by Labcorp Genetics (formerly Invitae), Labcorp); PubMed 30473481 (cited by Labcorp Genetics (formerly Invitae), Labcorp); PubMed 32918965 (cited by Labcorp Genetics (formerly Invitae), Labcorp).

NM_024120.5(NDUFAF5):c.445G>T (p.Glu149Ter)

Gene: NDUFAF5 (NADH:ubiquinone oxidoreductase complex assembly factor 5; plus strand). Cytogenetic location: 20p12.1.
Variant type: single nucleotide variant.
Coding change: c.445G>T on transcript NM_024120.5 (MANE Select); coding-DNA position 445, G replaced by T.
Protein change: p.Glu149Ter; replaces glutamic acid 149 with a stop codon.
Molecular consequence: nonsense. On other transcripts: 5 prime UTR variant (2), non-coding transcript variant (5), intron variant (2).
Genome position (GRCh38, 1-based): chr20:13,794,907, G>T. VCF-style: chr20-13794907-G-T. GRCh37 (hg19) VCF-style: chr20-13775553-G-T.
Other names: c.-117G>T (NM_001352406.2, NM_001352407.2); c.445G>T, p.Glu149Ter (NM_001352408.2); c.395+1680G>T (NM_001039375.3); c.8+1680G>T (NM_001352403.2); short protein forms E149*.
Identifiers: ClinVar variation 1985636 (VCV001985636.5), dbSNP rs1982940735, ClinGen allele CA408268912.
Genomic context (GRCh38, chr20:13,794,907, plus strand): 5'-TCAGAAACAGAAATACCTACTGTCAGCGTTTTAGCTGATGAAGAATTCCTTCCCTTCAAA[G>T]AAAATACATTTGACCTGGTGGTTAGCAGTTTAAGGTTGGTAATCCACTTTTTAAAAACCA-3'